The following is an entry in ClinVar:

NM_001082538.3(TCTN1):c.298G>A (p.Val100Met)

Gene: TCTN1 (tectonic family member 1; plus strand). Cytogenetic location: 12q24.11.
Variant type: single nucleotide variant.
Coding change: c.298G>A on transcript NM_001082538.3 (MANE Select); coding-DNA position 298, G replaced by A.
Protein change: p.Val100Met; replaces valine 100 with methionine.
Molecular consequence: missense variant. On other transcripts: 5 prime UTR variant (1), non-coding transcript variant (1).
Genome position (GRCh38, 1-based): chr12:110,619,913, G>A. VCF-style: chr12-110619913-G-A. GRCh37 (hg19) VCF-style: chr12-111057718-G-A.
Other names: c.298G>A, p.Val100Met (NM_001082537.3, NM_001319680.2, NM_024549.6); c.130G>A, p.Val44Met (NM_001173975.3, NM_001319682.3); c.118G>A, p.Val40Met (NM_001173976.2); c.-410G>A (NM_001319681.2); short protein forms V100M, V40M, V44M.
Identifiers: ClinVar variation 257400 (VCV000257400.22), dbSNP rs145478892, ClinGen allele CA6786519.

ClinVar aggregate classification (germline): Conflicting classifications of pathogenicity. Review status: criteria provided, conflicting classifications (1 of 4 stars). 6 submissions from 6 submitters: Uncertain significance (2); Likely benign (4). Last evaluated 2026-01-23.

Conditions:
Inborn genetic diseases. Identifiers: MedGen C0950123, MeSH D030342.
Joubert syndrome. Also called: Familial aplasia of the vermis; JOUBERT-BOLTSHAUSER SYNDROME. Identifiers: Orphanet 475, MedGen C5979921, MONDO:0018772.
Meckel-Gruber syndrome. Also called: DYSENCEPHALIA SPLANCHNOCYSTICA; GRUBER SYNDROME; Dysencephalia splachnocystica. Identifiers: Orphanet 564, MedGen C0265215, MONDO:0018921.
Joubert syndrome 13 (JBTS13). Identifiers: Orphanet 475, MedGen C3280031, MONDO:0013608, OMIM 614173.

Allele frequency attached by ClinVar (database versions not stated): gnomAD exomes 0.00009 and 0.00017; ExAC 0.00015; ESP Exome Variant Server 0.00057; gnomAD 0.00068 and 0.00073; TOPMed 0.00070; 1000 Genomes Project 0.00140; 1000 Genomes Project 30x 0.00156.
gnomAD v4.1: 240 of 1,614,070 alleles (0.015%); highest among the groups gnomAD compares: African/African-American, 0.26%; no homozygotes.

Submissions (6):

GeneDx
Classification: Uncertain significance. Last evaluated: 2026-01-23. Review status: criteria provided, single submitter. Criteria: GeneDx Variant Classification Process June 2021. Collection method: clinical testing. Allele origin: germline. Affected: yes.
Comment: In silico analysis suggests that this missense variant does not alter protein structure/function; Has not been previously published as pathogenic or benign to our knowledge

Labcorp Genetics (formerly Invitae), Labcorp
Classification: Likely benign for Joubert syndrome; Meckel-Gruber syndrome. Last evaluated: 2026-01-20. Review status: criteria provided, single submitter. Criteria: Invitae Variant Classification Sherloc (09022015). Collection method: clinical testing. Allele origin: germline.

Blueprint Genetics
Classification: Likely benign. Last evaluated: 2024-10-21. Review status: criteria provided, single submitter. Criteria: ACMG Guidelines, 2015. Collection method: clinical testing. Allele origin: germline.

Ambry Genetics
Classification: Likely benign for Inborn genetic diseases. Last evaluated: 2023-01-23. Review status: criteria provided, single submitter. Criteria: Ambry Variant Classification Scheme 2023. Collection method: clinical testing. Allele origin: germline.

Illumina Laboratory Services, Illumina
Classification: Uncertain significance for Joubert syndrome 13. Last evaluated: 2018-01-12. Review status: criteria provided, single submitter. Criteria: ICSL Variant Classification Criteria 13 December 2019. Collection method: clinical testing. Allele origin: germline.

PreventionGenetics, part of Exact Sciences
Classification: Likely benign. Review status: criteria provided, single submitter. Criteria: ACMG Guidelines, 2015. Collection method: clinical testing. Allele origin: germline.